The following is an entry in ClinVar:

NM_001164508.2(NEB):c.13105C>T (p.Leu4369=)

Gene: NEB (nebulin; minus strand). Cytogenetic location: 2q23.3.
Variant type: single nucleotide variant.
Coding change: c.13105C>T on transcript NM_001164508.2 (MANE Select); coding-DNA position 13105, C replaced by T.
Protein change: p.Leu4369=; no amino-acid change (leucine 4369 retained).
Molecular consequence: synonymous variant. On other transcripts: intron variant (1).
Genome position (GRCh38, 1-based): chr2:151,603,727, G>A on the plus strand (C>T on the coding strand, the complement: NEB is on the minus strand). VCF-style: chr2-151603727-G-A. GRCh37 (hg19) VCF-style: chr2-152460241-G-A.
Other names: c.13105C>T, p.Leu4369= (NM_001164507.2, NM_001271208.2); c.11601+6082C>T (NM_004543.5).
Identifiers: ClinVar variation 227725 (VCV000227725.9), dbSNP rs147579763, ClinGen allele CA10576443.

ClinVar aggregate classification (germline): Benign/Likely benign. Review status: criteria provided, multiple submitters, no conflicts (2 of 4 stars). 4 submissions from 4 submitters: Benign (2); Likely benign (1). 1 of the submissions does not count toward it. Last evaluated 2026-02-04.

Conditions:
Nemaline myopathy 2 (NEM2). Also called: Nemaline myopathy 2, autosomal recessive. Identifiers: MedGen C1850569, MONDO:0009725, OMIM 256030.

Submissions (4):

Labcorp Genetics (formerly Invitae), Labcorp
Classification: Benign for Nemaline myopathy 2. Last evaluated: 2026-02-04. Review status: criteria provided, single submitter. Criteria: Invitae Variant Classification Sherloc (09022015). Collection method: clinical testing. Allele origin: germline.

Laboratory for Molecular Medicine, Mass General Brigham Personalized Medicine
Classification: Likely benign. Last evaluated: 2014-12-19. Review status: criteria provided, single submitter. Criteria: LMM Criteria. Collection method: clinical testing. Allele origin: germline. Observed: 9 variant alleles.
Comment: NEB exons 82-105 are organized in three repetitive blocks of 8 exons each and be cause these blocks are nearly identical in sequence, homologous exons (e.g., exo ns 86, 94, and 102) are co-amplified and sequenced (each amplicon consists of 6 alleles). This variant represents a nonhomologous position within the three repe titive blocks (c.13105C, c.14563T, and c.16021T) and is categorized as "Likely B enign" as all three positions code for an Leucine (p.Leu4369, p.Leu4855, p.Leu53 41).

PreventionGenetics, part of Exact Sciences
Classification: Benign. Review status: criteria provided, single submitter. Criteria: ACMG Guidelines, 2015. Collection method: clinical testing. Allele origin: germline.

Natera, Inc.
Classification: Likely benign for Nemaline myopathy type 2. Last evaluated: 2021-02-26. Review status: no assertion criteria provided. Collection method: clinical testing. Allele origin: germline. Not counted in ClinVar's aggregate classification.